The following is an entry in ClinVar:

NM_001368894.2(PAX6):c.703_711del (p.Gln235_Glu237del)

Gene: PAX6 (paired box 6; minus strand). Cytogenetic location: 11p13.
Variant type: Deletion.
Coding change: c.703_711del on transcript NM_001368894.2 (MANE Select); coding-DNA positions 703 to 711, 9 bases deleted (CAAATTGAG; older notation c.703_711delCAAATTGAG).
Protein change: p.Gln235_Glu237del.
Molecular consequence: inframe deletion. On other transcripts: non-coding transcript variant (2).
Genome position (GRCh38, 1-based): chr11:31,794,643-31,794,651, CTCAATTTG deleted on the plus strand (CAAATTGAG on the coding strand, the reverse complement: PAX6 is on the minus strand); deleting any 9 consecutive bases within chr11:31,794,643-31,794,654 gives the same sequence; the c. name uses the placement nearest the transcript's 3' end. VCF-style (leftmost placement, unchanged base first): chr11-31794642-CCTCAATTTG-C. GRCh37 (hg19) VCF-style: chr11-31816190-CCTCAATTTG-C.
Other names: c.661_669del, p.Gln221_Glu223del (NM_000280.6, NM_001127612.3, NM_001258464.2 and 10 more transcripts); c.703_711del, p.Gln235_Glu237del (NM_001258462.3, NM_001258463.2, NM_001310158.2 and 6 more transcripts); c.253_261del, p.Gln85_Glu87del (NM_001310160.2, NM_001310161.3, NM_001368899.2 and 11 more transcripts); c.904_912del, p.Gln302_Glu304del (NM_001368910.2); c.706_714del, p.Gln236_Glu238del (NM_001368911.2); c.778_786del, p.Gln260_Glu262del (NM_001368918.2, NM_001368919.2); c.736_744del, p.Gln246_Glu248del (NM_001368920.2); c.502_510del, p.Gln168_Glu170del (NM_001368921.2, NM_001368922.2, NM_001368923.2 and 4 more transcripts); and 2 more.
Identifiers: ClinVar variation 4999768 (VCV004999768.1).

ClinVar aggregate classification (germline): Uncertain significance (1 of 4 stars; one submission).

Conditions:
PAX6-related disorder. Also called: PAX6-related disorders; PAX6-related condition.

Submission:

PreventionGenetics, part of Exact Sciences
Classification: Uncertain significance for PAX6-related condition. Last evaluated: 2025-07-02. Review status: criteria provided, single submitter. Criteria: ACMG Guidelines, 2015. Collection method: clinical testing. Allele origin: germline.
Comment: The PAX6 c.703_711del9 variant is predicted to result in an in-frame deletion (p.Gln235_Glu237del). To our knowledge, this variant has not been reported in the literature or in a large population database (gnomAD), indicating this variant is rare. At this time, the clinical significance of this variant is uncertain due to the absence of conclusive functional and genetic evidence.